The following is an entry in ClinVar:

ClinVar aggregate classification (germline): Uncertain significance (1 of 4 stars; one submission).

Conditions:
Growth retardation, intellectual developmental disorder, hypotonia, and hepatopathy (GRIDHH). Also called: GROWTH RETARDATION, IMPAIRED INTELLECTUAL DEVELOPMENT, HYPOTONIA, AND HEPATOPATHY. Identifiers: Orphanet 541423, MedGen C4310720, MONDO:0014911, OMIM 617093.

Allele frequency attached by ClinVar (database versions not stated): gnomAD exomes below 0.00001.
gnomAD v4.1: 1 of 1,603,118 alleles (0.000062%); highest among the groups gnomAD compares: Middle Eastern, 0.017%; no homozygotes.

Submission:

Broad Center for Mendelian Genomics, Broad Institute of MIT and Harvard
Classification: Uncertain significance for Growth retardation, intellectual developmental disorder, hypotonia, and hepatopathy. Last evaluated: 2023-05-02. Review status: criteria provided, single submitter. Criteria: ACMG Guidelines, 2015. Collection method: curation. Allele origin: germline. Inheritance: Autosomal recessive inheritance.
Comment: The heterozygous c.2229+5G>A variant in IARS was identified by our study, in the compound heterozygous state along with another variant of uncertain significance (dbSNP ID: rs149536604), in two siblings with microcephaly, seizures, structural brain anomalies, and intellectual disability. These individuals also carried another variant of uncertain significance (dbSNP ID: rs149536604), however the phase of these variants are unknown at this time. The c.2229+5G>A variant in IARS has not been previously reported in individuals with growth retardation, intellectual developmental disorder, hypotonia, and hepatopathy. This variant was absent from large population studies. This variant is located in the 5' splice region. Computational tools predict a splicing impact, though this information is not predictive enough to determine pathogenicity. In summary, the clinical significance of the c.2229+5G>A variant is uncertain. ACMG/AMP Criteria applied: PM2_Supporting, PP3 (Richards 2015).

NM_002161.6(IARS1):c.2229+5G>A

Gene: IARS1 (isoleucyl-tRNA synthetase 1; minus strand). Cytogenetic location: 9q22.31.
Variant type: single nucleotide variant.
Coding change: c.2229+5G>A on transcript NM_002161.6 (MANE Select); 5 bases into the intron after coding-DNA position 2229, G replaced by A.
Molecular consequence: intron variant.
Genome position (GRCh38, 1-based): chr9:92,253,357, C>T on the plus strand (G>A on the coding strand, the complement: IARS1 is on the minus strand). VCF-style: chr9-92253357-C-T. GRCh37 (hg19) VCF-style: chr9-95015639-C-T.
Other names: NM_001378586.1:c.2229+5G>A; c.2229+5G>A (NM_001378573.1, NM_001378584.1, NM_001374299.1 and 12 more transcripts); c.2106+5G>A (NM_001378583.1); c.2145+5G>A (NM_001374301.1); c.2134-1472G>A (NM_001378582.1); c.2250+5G>A (NM_001378571.1); c.2292+5G>A (NM_001378569.1).
Identifiers: ClinVar variation 2500863 (VCV002500863.1), dbSNP rs2490539229, ClinGen allele CA2573332189.